The following is an entry in ClinVar:

ClinVar aggregate classification (germline): Uncertain significance (1 of 4 stars; one submission).

Allele frequency attached by ClinVar (database versions not stated): gnomAD exomes below 0.00001 and 0.00001; TOPMed below 0.00001; ExAC 0.00001.

Submission:

Labcorp Genetics (formerly Invitae), Labcorp
Classification: Uncertain significance. Last evaluated: 2023-12-11. Review status: criteria provided, single submitter. Criteria: Invitae Variant Classification Sherloc (09022015). Collection method: clinical testing. Allele origin: germline.
Comment: This sequence change replaces isoleucine, which is neutral and non-polar, with threonine, which is neutral and polar, at codon 813 of the INPPL1 protein (p.Ile813Thr). This variant is present in population databases (rs775526987, gnomAD 0.003%). This variant has not been reported in the literature in individuals affected with INPPL1-related conditions. ClinVar contains an entry for this variant (Variation ID: 1470507). An algorithm developed to predict the effect of missense changes on protein structure and function (PolyPhen-2) suggests that this variant¬†is likely to be tolerated. In summary, the available evidence is currently insufficient to determine the role of this variant in disease. Therefore, it has been classified as a Variant of Uncertain Significance.

NM_001567.4(INPPL1):c.2438T>C (p.Ile813Thr)

Gene: INPPL1 (inositol polyphosphate phosphatase like 1; plus strand). Cytogenetic location: 11q13.4.
Variant type: single nucleotide variant.
Coding change: c.2438T>C on transcript NM_001567.4 (MANE Select); coding-DNA position 2438, T replaced by C.
Protein change: p.Ile813Thr; replaces isoleucine 813 with threonine.
Molecular consequence: missense variant.
Genome position (GRCh38, 1-based): chr11:72,235,138, T>C. VCF-style: chr11-72235138-T-C. GRCh37 (hg19) VCF-style: chr11-71946182-T-C.
Other names: short protein forms I813T.
Identifiers: ClinVar variation 1470507 (VCV001470507.5), dbSNP rs775526987, ClinGen allele CA6170368.